The following is an entry in ClinVar:

ClinVar aggregate classification (germline): Uncertain significance (1 of 4 stars; one submission).

Conditions:
Dyskeratosis congenita. Identifiers: Orphanet 1775, MedGen C0265965, MONDO:0015780.

Allele frequency attached by ClinVar (database versions not stated): gnomAD exomes below 0.00001.
gnomAD v4.1: 4 of 1,614,148 alleles (0.00025%); highest among the groups gnomAD compares: Non-Finnish European, 0.00025%; no homozygotes.

Submission:

Labcorp Genetics (formerly Invitae), Labcorp
Classification: Uncertain significance for Dyskeratosis congenita. Last evaluated: 2023-11-17. Review status: criteria provided, single submitter. Criteria: Invitae Variant Classification Sherloc (09022015). Collection method: clinical testing. Allele origin: germline.
Comment: This sequence change replaces cysteine, which is neutral and slightly polar, with glycine, which is neutral and non-polar, at codon 424 of the CTC1 protein (p.Cys424Gly). This variant is present in population databases (rs772064961, gnomAD 0.002%). This missense change has been observed in individual(s) with cerebroretinal microangiopathy with calcifications and cysts (PMID: 22899577). In at least one individual the data is consistent with being in trans (on the opposite chromosome) from a pathogenic variant. Advanced modeling of protein sequence and biophysical properties (such as structural, functional, and spatial information, amino acid conservation, physicochemical variation, residue mobility, and thermodynamic stability) performed at Invitae indicates that this missense variant is expected to disrupt CTC1 protein function with a positive predictive value of 80%. In summary, the available evidence is currently insufficient to determine the role of this variant in disease. Therefore, it has been classified as a Variant of Uncertain Significance.

Literature cited by the submitters: PubMed 22899577.

NM_025099.6(CTC1):c.1270T>G (p.Cys424Gly)

Gene: CTC1 (CST telomere replication complex component 1; minus strand). Cytogenetic location: 17p13.1.
Variant type: single nucleotide variant.
Coding change: c.1270T>G on transcript NM_025099.6 (MANE Select); coding-DNA position 1270, T replaced by G.
Protein change: p.Cys424Gly; replaces cysteine 424 with glycine.
Molecular consequence: missense variant. On other transcripts: non-coding transcript variant (1).
Genome position (GRCh38, 1-based): chr17:8,235,222, A>C on the plus strand (T>G on the coding strand, the complement: CTC1 is on the minus strand). VCF-style: chr17-8235222-A-C. GRCh37 (hg19) VCF-style: chr17-8138540-A-C.
Other names: c.1270T>G, p.Cys424Gly (NM_001411067.1); short protein forms C424G.
Identifiers: ClinVar variation 2899116 (VCV002899116.2), dbSNP rs772064961, ClinGen allele CA8372405.
Genomic context (GRCh38, chr17:8,235,222, plus strand): 5'-ATGAGTGAGCCCCAGGCTTCTGACGAGAGAAGCTTTGAAGCAGAACGGCGCCACGGAGGC[A>C]GGGGGCGAGCACTGGCCTTCTTGTCCCCCCTCCCACTGACTGGAGCAGGTGAACATCCTG-3'
Protein context (NP_079375.3, residues 414-434): GGTRRPVLAP[Cys424Gly]LRGAVLLQSF